The following is an entry in ClinVar:

NM_012434.5(SLC17A5):c.532dup (p.Thr178fs)

Gene: SLC17A5 (solute carrier family 17 member 5; minus strand). Cytogenetic location: 6q13.
Variant type: Duplication.
Coding change: c.532dup on transcript NM_012434.5 (MANE Select); coding-DNA position 532, one base duplicated (A; older notation c.532dupA).
Protein change: p.Thr178fs; shifts the reading frame from threonine 178.
Molecular consequence: frameshift variant.
Genome position (GRCh38, 1-based): chr6:73,638,493, T duplicated on the plus strand (A on the coding strand, the reverse complement: SLC17A5 is on the minus strand). VCF-style (leftmost placement, unchanged base first): chr6-73638492-G-GT. GRCh37 (hg19) VCF-style: chr6-74348215-G-GT.
Other names: c.301dup, p.Thr101fs (NM_001382629.1, NM_001382636.1); c.532dup, p.Thr178fs (NM_001382630.1, NM_001382632.1, NM_001382633.1 and 2 more transcripts); c.553dup, p.Thr185fs (NM_001382631.1); short protein forms T101fs, T178fs, T185fs.
Identifiers: ClinVar variation 2698513 (VCV002698513.3), dbSNP rs1769129693, ClinGen allele CA1638220493.

ClinVar aggregate classification (germline): Pathogenic (1 of 4 stars; one submission).

Conditions:
Salla disease (SD). Also called: Sialuria, Finnish type; N-acetylneuraminic acid (NANA) storage disease (NSD); Infantile sialic acid storage disorder (ISSD); Less Severe FSASD (Salla Disease). Identifiers: Orphanet 309334, Orphanet 834, MedGen C1096903, MONDO:0011449, OMIM 604369.

Allele frequency attached by ClinVar (database versions not stated): gnomAD exomes below 0.00001.

Submission:

Labcorp Genetics (formerly Invitae), Labcorp
Classification: Pathogenic for Salla disease. Last evaluated: 2024-03-11. Review status: criteria provided, single submitter. Criteria: Invitae Variant Classification Sherloc (09022015). Collection method: clinical testing. Allele origin: germline.
Comment: This sequence change creates a premature translational stop signal (p.Thr178Asnfs*17) in the SLC17A5 gene. It is expected to result in an absent or disrupted protein product. Loss-of-function variants in SLC17A5 are known to be pathogenic (PMID: 10581036, 10947946, 15172001). This variant is not present in population databases (gnomAD no frequency). This variant has not been reported in the literature in individuals affected with SLC17A5-related conditions. Algorithms developed to predict the effect of sequence changes on RNA splicing suggest that this variant may disrupt the consensus splice site. For these reasons, this variant has been classified as Pathogenic.

Literature cited by the submitters: PubMed 10581036; PubMed 10947946; PubMed 15172001.